The following is an entry in ClinVar:

NM_003620.4(PPM1D):c.1057C>G (p.Arg353Gly)

Gene: PPM1D (protein phosphatase, Mg2+/Mn2+ dependent 1D; plus strand). Cytogenetic location: 17q23.2.
Variant type: single nucleotide variant.
Coding change: c.1057C>G on transcript NM_003620.4 (MANE Select); coding-DNA position 1057, C replaced by G.
Protein change: p.Arg353Gly; replaces arginine 353 with glycine.
Molecular consequence: missense variant.
Genome position (GRCh38, 1-based): chr17:60,656,638, C>G. VCF-style: chr17-60656638-C-G. GRCh37 (hg19) VCF-style: chr17-58733999-C-G.
Other names: short protein forms R353G.
Identifiers: ClinVar variation 3729025 (VCV003729025.2).
Genomic context (GRCh38, chr17:60,656,638, plus strand): 5'-TCCTTGTTCTTTTGAATACAGGGTGAGCATGGACAATCTTGTGCCAAAATGCTTGTGAAT[C>G]GAGCATTGGGCCGCTGGAGGCAGCGTATGCTCCGAGCAGATAACACTAGTGCCATAGTAA-3'
Protein context (NP_003611.1, residues 343-363): GQSCAKMLVN[Arg353Gly]ALGRWRQRML

ClinVar aggregate classification (germline): Uncertain significance (1 of 4 stars; one submission).

Submission:

Labcorp Genetics (formerly Invitae), Labcorp
Classification: Uncertain significance. Last evaluated: 2024-04-03. Review status: criteria provided, single submitter. Criteria: Invitae Variant Classification Sherloc (09022015). Collection method: clinical testing. Allele origin: germline.
Comment: This sequence change replaces arginine, which is basic and polar, with glycine, which is neutral and non-polar, at codon 353 of the PPM1D protein (p.Arg353Gly). This variant is not present in population databases (gnomAD no frequency). This variant has not been reported in the literature in individuals affected with PPM1D-related conditions. An algorithm developed to predict the effect of missense changes on protein structure and function (PolyPhen-2) suggests that this variant is likely to be disruptive. In summary, the available evidence is currently insufficient to determine the role of this variant in disease. Therefore, it has been classified as a Variant of Uncertain Significance.